The following is an entry in ClinVar:

NM_022765.4(MICAL1):c.2437C>T (p.Arg813Cys)

Gene: MICAL1 (microtubule associated monooxygenase, calponin and LIM domain containing 1; minus strand). Cytogenetic location: 6q21.
Variant type: single nucleotide variant.
Coding change: c.2437C>T on transcript NM_022765.4 (MANE Select); coding-DNA position 2437, C replaced by T.
Protein change: p.Arg813Cys; replaces arginine 813 with cysteine.
Molecular consequence: missense variant.
Genome position (GRCh38, 1-based): chr6:109,446,280, G>A on the plus strand (C>T on the coding strand, the complement: MICAL1 is on the minus strand). VCF-style: chr6-109446280-G-A. GRCh37 (hg19) VCF-style: chr6-109767483-G-A.
Other names: c.2179C>T, p.Arg727Cys (NM_001159291.2); c.2494C>T, p.Arg832Cys (NM_001286613.2); short protein forms R813C, R727C, R832C.
Identifiers: ClinVar variation 2901515 (VCV002901515.3), dbSNP rs566422792, ClinGen allele CA3952897.

ClinVar aggregate classification (germline): Uncertain significance (1 of 4 stars; one submission).

Allele frequency attached by ClinVar (database versions not stated): ExAC 0.00005; gnomAD 0.00003; TOPMed 0.00003; gnomAD exomes 0.00002; 1000 Genomes Project 0.00020; 1000 Genomes Project 30x 0.00031.
gnomAD v4.1: 30 of 1,613,996 alleles (0.0019%); highest among the groups gnomAD compares: East Asian, 0.038%; no homozygotes.

Submission:

Labcorp Genetics (formerly Invitae), Labcorp
Classification: Uncertain significance. Last evaluated: 2025-04-07. Review status: criteria provided, single submitter. Criteria: Invitae Variant Classification Sherloc (09022015). Collection method: clinical testing. Allele origin: germline.
Comment: This sequence change replaces arginine, which is basic and polar, with cysteine, which is neutral and slightly polar, at codon 832 of the MICAL1 protein (p.Arg832Cys). This variant is present in population databases (rs566422792, gnomAD 0.02%). This variant has not been reported in the literature in individuals affected with MICAL1-related conditions. ClinVar contains an entry for this variant (Variation ID: 2901515). An algorithm developed to predict the effect of missense changes on protein structure and function (PolyPhen-2) suggests that this variant is likely to be disruptive. In summary, the available evidence is currently insufficient to determine the role of this variant in disease. Therefore, it has been classified as a Variant of Uncertain Significance.